The following is an entry in ClinVar:

NM_015046.7(SETX):c.4459T>A (p.Ser1487Thr)

Gene: SETX (senataxin; minus strand). Cytogenetic location: 9q34.13.
Variant type: single nucleotide variant.
Coding change: c.4459T>A on transcript NM_015046.7 (MANE Select); coding-DNA position 4459, T replaced by A.
Protein change: p.Ser1487Thr; replaces serine 1487 with threonine.
Molecular consequence: missense variant.
Genome position (GRCh38, 1-based): chr9:132,327,139, A>T on the plus strand (T>A on the coding strand, the complement: SETX is on the minus strand). VCF-style: chr9-132327139-A-T. GRCh37 (hg19) VCF-style: chr9-135202526-A-T.
Other names: c.4459T>A, p.Ser1487Thr (NM_001351527.2, NM_001351528.2); short protein forms S1487T.
Identifiers: ClinVar variation 664705 (VCV000664705.10), dbSNP rs772466321, ClinGen allele CA5297197.
Genomic context (GRCh38, chr9:132,327,139, plus strand): 5'-CCATATCTTCAGGATCATTTTGGGTTAAAAATAAGTTATCTTCCTCTGCATCACTGCTGG[A>T]GTCAGGCTCTCCTTCTTTCAAAGCTGCCATCTCTATATGACGTGCTGTTGGATCACCTCC-3'
Protein context (NP_055861.3, residues 1477-1497): MAALKEGEPD[Ser1487Thr]SSDAEEDNLF

ClinVar aggregate classification (germline): Uncertain significance. Review status: criteria provided, multiple submitters, no conflicts (2 of 4 stars). 2 submissions from 2 submitters: Uncertain significance (2). Last evaluated 2025-10-13.

Conditions:
Amyotrophic lateral sclerosis type 4 (ALS4). Also called: AMYOTROPHIC LATERAL SCLEROSIS 4, JUVENILE; NEURONOPATHY, DISTAL HEREDITARY MOTOR, WITH PYRAMIDAL FEATURES. Identifiers: Orphanet 357043, MedGen C1865409, MONDO:0011223, OMIM 602433.
Spinocerebellar ataxia, autosomal recessive, with axonal neuropathy 2 (SCAN2). Also called: Ataxia with Oculomotor Apraxia Type 2; Ataxia with Oculomotor Apraxia; ATAXIA-OCULOMOTOR APRAXIA 2; Ataxia-ocular apraxia-2. Identifiers: Orphanet 64753, MedGen C1853761, MONDO:0018996, OMIM 606002.

Allele frequency attached by ClinVar (database versions not stated): gnomAD exomes below 0.00001; ExAC 0.00001; gnomAD 0.00001; TOPMed 0.00001.
gnomAD v4.1: 19 of 1,614,064 alleles (0.0012%); highest among the groups gnomAD compares: Non-Finnish European, 0.0016%; no homozygotes.

Submissions (2):

Women's Health and Genetics/Laboratory Corporation of America, LabCorp
Classification: Uncertain significance. Last evaluated: 2025-10-13. Review status: criteria provided, single submitter. Criteria: LabCorp Variant Classification Summary - May 2015. Collection method: clinical testing. Allele origin: germline.
Comment: Variant summary: SETX c.4459T>A (p.Ser1487Thr) results in a conservative amino acid change in the encoded protein sequence. Algorithms developed to predict the effect of missense changes on protein structure and function all suggest that this variant is likely to be tolerated. The variant allele was found at a frequency of 4e-06 in 251378 control chromosomes. The available data on variant occurrences in the general population are insufficient to allow any conclusion about variant significance. To our knowledge, no occurrence of c.4459T>A in individuals affected with SETX-related conditions and no experimental evidence demonstrating its impact on protein function have been reported. ClinVar contains an entry for this variant (Variation ID: 664705). Based on the evidence outlined above, the variant was classified as uncertain significance.

Labcorp Genetics (formerly Invitae), Labcorp
Classification: Uncertain significance for Amyotrophic lateral sclerosis type 4; Spinocerebellar ataxia, autosomal recessive, with axonal neuropathy 2. Last evaluated: 2018-07-18. Review status: criteria provided, single submitter. Criteria: Invitae Variant Classification Sherloc (09022015). Collection method: clinical testing. Allele origin: germline.
Comment: Algorithms developed to predict the effect of missense changes on protein structure and function (SIFT, PolyPhen-2, Align-GVGD) all suggest that this variant is likely to be tolerated, but these predictions have not been confirmed by published functional studies and their clinical significance is uncertain. In summary, the available evidence is currently insufficient to determine the role of this variant in disease. Therefore, it has been classified as a Variant of Uncertain Significance. This variant has not been reported in the literature in individuals with SETX-related disease. This variant is present in population databases (rs772466321, ExAC 0.001%). This sequence change replaces serine with threonine at codon 1487 of the SETX protein (p.Ser1487Thr). The serine residue is weakly conserved and there is a small physicochemical difference between serine and threonine.